The following is an entry in ClinVar:

NM_004006.3(DMD):c.118C>G (p.Leu40Val)

Gene: DMD (dystrophin; minus strand). Cytogenetic location: Xp21.1.
Variant type: single nucleotide variant.
Coding change: c.118C>G on transcript NM_004006.3 (MANE Select); coding-DNA position 118, C replaced by G.
Protein change: p.Leu40Val; replaces leucine 40 with valine.
Molecular consequence: missense variant. On other transcripts: 5 prime UTR variant (1).
Genome position (GRCh38, 1-based): chrX:32,849,796, G>C on the plus strand (C>G on the coding strand, the complement: DMD is on the minus strand). VCF-style: chrX-32849796-G-C. GRCh37 (hg19) VCF-style: chrX-32867913-G-C.
Other names: c.94C>G, p.Leu32Val (NM_000109.4); c.106C>G, p.Leu36Val (NM_004009.3); c.-252C>G (NM_004010.3); short protein forms L32V, L36V, L40V.
Identifiers: ClinVar variation 2077034 (VCV002077034.2), dbSNP rs1001154410, ClinGen allele CA328578640.

ClinVar aggregate classification (germline): Uncertain significance (1 of 4 stars; one submission).

Conditions:
Duchenne muscular dystrophy (DMD). Also called: MUSCULAR DYSTROPHY, PSEUDOHYPERTROPHIC PROGRESSIVE, DUCHENNE TYPE; Duchenne Muscular Dystrophy (DMD). Identifiers: Orphanet 98896, MedGen C0013264, MONDO:0010679, OMIM 310200.

Allele frequency attached by ClinVar (database versions not stated): TOPMed 0.00001.
gnomAD v4.1: 10 of 1,203,927 alleles (0.00083%); highest among the groups gnomAD compares: Non-Finnish European, 0.001%; no homozygotes.

Submission:

Labcorp Genetics (formerly Invitae), Labcorp
Classification: Uncertain significance for Duchenne muscular dystrophy. Last evaluated: 2025-05-27. Review status: criteria provided, single submitter. Criteria: Invitae Variant Classification Sherloc (09022015). Collection method: clinical testing. Allele origin: germline.
Comment: This sequence change replaces leucine, which is neutral and non-polar, with valine, which is neutral and non-polar, at codon 40 of the DMD protein (p.Leu40Val). This variant is present in population databases (no rsID available, gnomAD 0.001%). This variant has not been reported in the literature in individuals affected with DMD-related conditions. ClinVar contains an entry for this variant (Variation ID: 2077034). Invitae Evidence Modeling of protein sequence and biophysical properties (such as structural, functional, and spatial information, amino acid conservation, physicochemical variation, residue mobility, and thermodynamic stability) indicates that this missense variant is not expected to disrupt DMD protein function with a negative predictive value of 95%. In summary, the available evidence is currently insufficient to determine the role of this variant in disease. Therefore, it has been classified as a Variant of Uncertain Significance.